The following is an entry in ClinVar:

NM_205836.3(FBXO38):c.1454C>G (p.Ser485Ter)

Gene: FBXO38 (F-box protein 38; plus strand). Cytogenetic location: 5q32.
Variant type: single nucleotide variant.
Coding change: c.1454C>G on transcript NM_205836.3 (MANE Select); coding-DNA position 1454, C replaced by G.
Protein change: p.Ser485Ter; replaces serine 485 with a stop codon.
Molecular consequence: nonsense.
Genome position (GRCh38, 1-based): chr5:148,417,040, C>G. VCF-style: chr5-148417040-C-G. GRCh37 (hg19) VCF-style: chr5-147796603-C-G.
Other names: c.1454C>G, p.Ser485Ter (NM_001271723.2, NM_030793.5); short protein forms S485*.
Identifiers: ClinVar variation 2071667 (VCV002071667.4), dbSNP rs766414509, ClinGen allele CA361659725.
Genomic context (GRCh38, chr5:148,417,040, plus strand): 5'-TGGTTTTGCCTTAGGGTTGTGCTCGAGTTGGTCTGAGTGCAGGCACAGGAATTGGTGTTT[C>G]ATCAGCTCTTGTTAGCAACCAGAACTCCAACAATGACGATAATAATGCCCAGAATAACAA-3'

ClinVar aggregate classification (germline): Uncertain significance (1 of 4 stars; one submission).

Conditions:
Distal hereditary motor neuropathy type 2. Identifiers: Orphanet 139525, MedGen C3711384, MeSH C580044, MONDO:0015352.

Allele frequency attached by ClinVar (database versions not stated): gnomAD exomes below 0.00001.
gnomAD v4.1: 2 of 1,613,818 alleles (0.00012%); highest among the groups gnomAD compares: Non-Finnish European, 0.00017%; no homozygotes.

Submission:

Labcorp Genetics (formerly Invitae), Labcorp
Classification: Uncertain significance for Distal hereditary motor neuropathy type 2. Last evaluated: 2022-07-10. Review status: criteria provided, single submitter. Criteria: Invitae Variant Classification Sherloc (09022015). Collection method: clinical testing. Allele origin: germline.
Comment: In summary, the available evidence is currently insufficient to determine the role of this variant in disease. Therefore, it has been classified as a Variant of Uncertain Significance. This variant has not been reported in the literature in individuals affected with FBXO38-related conditions. This variant is not present in population databases (gnomAD no frequency). This sequence change creates a premature translational stop signal (p.Ser485*) in the FBXO38 gene. It is expected to result in an absent or disrupted protein product. However, the current clinical and genetic evidence is not sufficient to establish whether loss-of-function variants in FBXO38 cause disease.